The following is an entry in ClinVar:

ClinVar aggregate classification (germline): Uncertain significance. Review status: criteria provided, multiple submitters, no conflicts (2 of 4 stars). 2 submissions from 2 submitters: Uncertain significance (2). Last evaluated 2025-06-29.

Conditions:
Cardiovascular phenotype. Identifiers: MedGen CN230736.
Myofibrillar myopathy 4. Also called: Zaspopathy (type). Identifiers: Orphanet 98912, MedGen C4721886, MONDO:0012277, OMIM 609452.

Allele frequency attached by ClinVar (database versions not stated): gnomAD exomes 0.00001; ExAC 0.00002; gnomAD 0.00003; TOPMed 0.00003.
gnomAD v4.1: 17 of 1,614,044 alleles (0.0011%); highest among the groups gnomAD compares: East Asian, 0.0045%; no homozygotes.

Submissions (2):

Labcorp Genetics (formerly Invitae), Labcorp
Classification: Uncertain significance for Myofibrillar myopathy 4. Last evaluated: 2025-06-29. Review status: criteria provided, single submitter. Criteria: Invitae Variant Classification Sherloc (09022015). Collection method: clinical testing. Allele origin: germline.
Comment: This sequence change replaces arginine, which is basic and polar, with histidine, which is basic and polar, at codon 219 of the LDB3 protein (p.Arg219His). This variant is present in population databases (rs748193817, gnomAD 0.006%). This variant has not been reported in the literature in individuals affected with LDB3-related conditions. ClinVar contains an entry for this variant (Variation ID: 1761459). An algorithm developed to predict the effect of missense changes on protein structure and function (PolyPhen-2) suggests that this variant is likely to be disruptive. In summary, the available evidence is currently insufficient to determine the role of this variant in disease. Therefore, it has been classified as a Variant of Uncertain Significance.

Ambry Genetics
Classification: Uncertain significance for Cardiovascular phenotype. Last evaluated: 2024-06-24. Review status: criteria provided, single submitter. Criteria: Ambry Variant Classification Scheme 2023. Collection method: clinical testing. Allele origin: germline.
Comment: The p.R266H variant (also known as c.797G>A), located in coding exon 5 of the LDB3 gene, results from a G to A substitution at nucleotide position 797. The arginine at codon 266 is replaced by histidine, an amino acid with highly similar properties. This amino acid position is well conserved in available vertebrate species; however, histidine is the reference amino acid in other vertebrate species. In addition, the in silico prediction for this alteration is inconclusive. Since supporting evidence is limited at this time, the clinical significance of this alteration remains unclear.

NM_007078.3(LDB3):c.797G>A (p.Arg266His)

Gene: LDB3 (LIM domain binding 3; plus strand). Cytogenetic location: 10q23.2.
Variant type: single nucleotide variant.
Coding change: c.797G>A on transcript NM_007078.3 (MANE Select); coding-DNA position 797, G replaced by A.
Protein change: p.Arg266His; replaces arginine 266 with histidine.
Molecular consequence: missense variant.
Genome position (GRCh38, 1-based): chr10:86,692,003, G>A. VCF-style: chr10-86692003-G-A. GRCh37 (hg19) VCF-style: chr10-88451760-G-A.
Other names: c.656G>A, p.Arg219His (NM_001080114.2, NM_001080116.1, NM_001368066.1 and 2 more transcripts); c.797G>A, p.Arg266His (NM_001080115.2, NM_001368063.1, NM_001368064.1 and 1 more transcripts); c.1001G>A, p.Arg334His (NM_001171610.2, NM_001171611.2); short protein forms R219H, R266H, R334H.
Identifiers: ClinVar variation 1761459 (VCV001761459.6), dbSNP rs748193817, ClinGen allele CA5584894.